The following is an entry in ClinVar:

NM_001941.5(DSC3):c.2494-134C>T

Gene: DSC3 (desmocollin 3; minus strand). Cytogenetic location: 18q12.1.
Variant type: single nucleotide variant.
Coding change: c.2494-134C>T on transcript NM_001941.5 (MANE Select); 134 bases into the intron before coding-DNA position 2494, C replaced by T.
Molecular consequence: intron variant.
Genome position (GRCh38, 1-based): chr18:30,994,506, G>A on the plus strand (C>T on the coding strand, the complement: DSC3 is on the minus strand). VCF-style: chr18-30994506-G-A. GRCh37 (hg19) VCF-style: chr18-28574472-G-A.
Other names: c.2494-10C>T (NM_024423.4, NM_024423.3).
Identifiers: ClinVar variation 1276898 (VCV001276898.4), dbSNP rs8089682, ClinGen allele CA8923972.
Genomic context (GRCh38, chr18:30,994,506, plus strand): 5'-TTATTTACCTTTTATGTTTAATTTTTAACCAGTGTGTCCTCTAATGGATTCCTACACACA[G>A]AAAATGCAAATGATTGGTCTATATCACAACCATACCATAAAGTCAGTATAGTTTACATTT-3'

ClinVar aggregate classification (germline): Benign. Review status: criteria provided, multiple submitters, no conflicts (2 of 4 stars). 3 submissions from 3 submitters: Benign (2). 1 of the submissions does not count toward it. Last evaluated 2018-11-11.

Conditions:
DSC3-related disorder. Also called: DSC3-related condition.

Allele frequency attached by ClinVar (database versions not stated): gnomAD exomes 0.07915 and 0.12504; ExAC 0.12841; gnomAD 0.19451 and 0.19953; ESP Exome Variant Server 0.20040; TOPMed 0.22011; 1000 Genomes Project 0.25739; 1000 Genomes Project 30x 0.26968.
gnomAD v4.1: 143,700 of 1,577,370 alleles (9.1%); highest among the groups gnomAD compares: African/African-American, 47%; 13,397 homozygotes.

Submissions (3):

GeneDx
Classification: Benign. Last evaluated: 2018-11-11. Review status: criteria provided, single submitter. Criteria: GeneDx Variant Classification Process June 2021. Collection method: clinical testing. Allele origin: germline. Affected: yes.

Breakthrough Genomics
Classification: Benign. Review status: criteria provided, single submitter. Criteria: ACMG Guidelines, 2015. Collection method: not provided. Allele origin: germline. Inheritance: Autosomal recessive inheritance. Affected: yes.

PreventionGenetics, part of Exact Sciences
Classification: Benign for DSC3-related condition. Last evaluated: 2019-11-04. Review status: no assertion criteria provided. Collection method: clinical testing. Allele origin: germline. Not counted in ClinVar's aggregate classification.
Comment: This variant is classified as benign based on ACMG/AMP sequence variant interpretation guidelines (Richards et al. 2015 PMID: 25741868, with internal and published modifications).